The following is an entry in ClinVar:

ClinVar aggregate classification (germline): Uncertain significance (1 of 4 stars; one submission).

Submission:

Labcorp Genetics (formerly Invitae), Labcorp
Classification: Uncertain significance. Last evaluated: 2023-11-20. Review status: criteria provided, single submitter. Criteria: Invitae Variant Classification Sherloc (09022015). Collection method: clinical testing. Allele origin: germline.
Comment: This sequence change replaces glycine, which is neutral and non-polar, with glutamic acid, which is acidic and polar, at codon 5086 of the HMCN1 protein (p.Gly5086Glu). This variant is not present in population databases (gnomAD no frequency). This variant has not been reported in the literature in individuals affected with HMCN1-related conditions. An algorithm developed to predict the effect of missense changes on protein structure and function (PolyPhen-2) suggests that this variant is likely to be disruptive. Algorithms developed to predict the effect of sequence changes on RNA splicing suggest that this variant may disrupt the consensus splice site. In summary, the available evidence is currently insufficient to determine the role of this variant in disease. Therefore, it has been classified as a Variant of Uncertain Significance.

NM_031935.3(HMCN1):c.15257G>A (p.Gly5086Glu)

Gene: HMCN1 (hemicentin 1; plus strand). Cytogenetic location: 1q31.1.
Variant type: single nucleotide variant.
Coding change: c.15257G>A on transcript NM_031935.3 (MANE Select); coding-DNA position 15257, G replaced by A.
Protein change: p.Gly5086Glu; replaces glycine 5086 with glutamic acid.
Molecular consequence: missense variant.
Genome position (GRCh38, 1-based): chr1:186,165,111, G>A. VCF-style: chr1-186165111-G-A. GRCh37 (hg19) VCF-style: chr1-186134243-G-A.
Other names: short protein forms G5086E.
Identifiers: ClinVar variation 2697818 (VCV002697818.3), dbSNP rs2528208569, ClinGen allele CA343927414.
Genomic context (GRCh38, chr1:186,165,111, plus strand): 5'-AAGAAGCCAGGGGCAACTATTCCAATAAGCCAGTTAACTTTGCTTTCCTCTCTGTGGTAG[G>A]AGATCGCAGTAATCAGTGCCCCTCCGGGTTTACCTTAGACTCAGTTGGACCTTTTTGTGC-3'
Protein context (NP_114141.2, residues 5076-5096): GFKIHASISK[Gly5086Glu]DRSNQCPSGF